The following is an entry in ClinVar:

NM_001042424.3(NSD2):c.449A>G (p.Asp150Gly)

Gene: NSD2 (nuclear receptor binding SET domain protein 2; plus strand). Cytogenetic location: 4p16.3.
Variant type: single nucleotide variant.
Coding change: c.449A>G on transcript NM_001042424.3 (MANE Select); coding-DNA position 449, A replaced by G.
Protein change: p.Asp150Gly; replaces aspartic acid 150 with glycine.
Molecular consequence: missense variant.
Genome position (GRCh38, 1-based): chr4:1,901,103, A>G. VCF-style: chr4-1901103-A-G. GRCh37 (hg19) VCF-style: chr4-1902830-A-G.
Other names: c.449A>G, p.Asp150Gly (NM_007331.2, NM_133330.3, NM_133331.3 and 2 more transcripts); short protein forms D150G.
Identifiers: ClinVar variation 3697313 (VCV003697313.2).

ClinVar aggregate classification (germline): Uncertain significance (1 of 4 stars; one submission).

gnomAD v4.1: 12 of 1,614,234 alleles (0.00074%); highest among the groups gnomAD compares: Non-Finnish European, 0.00042%; no homozygotes.

Submission:

Labcorp Genetics (formerly Invitae), Labcorp
Classification: Uncertain significance. Last evaluated: 2024-07-12. Review status: criteria provided, single submitter. Criteria: Invitae Variant Classification Sherloc (09022015). Collection method: clinical testing. Allele origin: germline.
Comment: This sequence change replaces aspartic acid, which is acidic and polar, with glycine, which is neutral and non-polar, at codon 150 of the WHSC1 protein (p.Asp150Gly). This variant is not present in population databases (gnomAD no frequency). This variant has not been reported in the literature in individuals affected with WHSC1-related conditions. An algorithm developed to predict the effect of missense changes on protein structure and function (PolyPhen-2) suggests that this variant is likely to be tolerated. In summary, the available evidence is currently insufficient to determine the role of this variant in disease. Therefore, it has been classified as a Variant of Uncertain Significance.